The following is an entry in ClinVar:

ClinVar aggregate classification (germline): Likely benign. Review status: criteria provided, multiple submitters, no conflicts (2 of 4 stars). 3 submissions from 3 submitters: Likely benign (3). Last evaluated 2025-11-07.

Conditions:
Hereditary sensory and autonomic neuropathy type 6. Also called: HSAN VI; Neuropathy, hereditary sensory and autonomic, type VI. Identifiers: Orphanet 314381, MedGen C3539003, MONDO:0013839, OMIM 614653.
Epidermolysis bullosa simplex 3, localized or generalized intermediate, with BP230 deficiency (EBS3). Also called: Epidermolysis bullosa simplex, autosomal recessive 2; Epidermolysis bullosa simplex due to BP230 deficiency. Identifiers: Orphanet 412181, MedGen C3809470, MONDO:0014180, OMIM 615425.
DST-related disorder. Also called: DST-related disorders; DST-related condition.

Allele frequency attached by ClinVar (database versions not stated): gnomAD exomes below 0.00001 and 0.00002; TOPMed 0.00002.
gnomAD v4.1: 25 of 1,608,550 alleles (0.0016%); highest among the groups gnomAD compares: Non-Finnish European, 0.0021%; no homozygotes.

Submissions (3):

PreventionGenetics, part of Exact Sciences
Classification: Likely benign for DST-related condition. Last evaluated: 2025-11-07. Review status: criteria provided, single submitter. Criteria: ACMG Guidelines, 2015. Collection method: clinical testing. Allele origin: germline.
Comment: This variant is classified as likely benign based on ACMG/AMP sequence variant interpretation guidelines (Richards et al. 2015 PMID: 25741868, with internal and published modifications).

Labcorp Genetics (formerly Invitae), Labcorp
Classification: Likely benign for Epidermolysis bullosa simplex 3, localized or generalized intermediate, with BP230 deficiency; Hereditary sensory and autonomic neuropathy type 6. Last evaluated: 2025-05-11. Review status: criteria provided, single submitter. Criteria: Invitae Variant Classification Sherloc (09022015). Collection method: clinical testing. Allele origin: germline.

CeGaT Center for Human Genetics Tuebingen
Classification: Likely benign. Last evaluated: 2024-04-01. Review status: criteria provided, single submitter. Criteria: CeGaT Center For Human Genetics Tuebingen Variant Classification Criteria Version 2. Collection method: clinical testing. Allele origin: germline. Affected: yes. Observed: 1 variant allele.
Comment: DST: BP4, BP7

NM_001374736.1(DST):c.14367A>G (p.Lys4789=)

Gene: DST (dystonin; minus strand). Cytogenetic location: 6p12.1.
Variant type: single nucleotide variant.
Coding change: c.14367A>G on transcript NM_001374736.1 (MANE Select); coding-DNA position 14367, A replaced by G.
Protein change: p.Lys4789=; no amino-acid change (lysine 4789 retained).
Molecular consequence: synonymous variant.
Genome position (GRCh38, 1-based): chr6:56,560,367, T>C on the plus strand (A>G on the coding strand, the complement: DST is on the minus strand). VCF-style: chr6-56560367-T-C. GRCh37 (hg19) VCF-style: chr6-56425165-T-C.
Other names: c.8010A>G (NM_001144769.2); c.8010A>G, p.Lys2670= (NM_001144769.5); c.7596A>G, p.Lys2532= (NM_001144770.2); c.14367A>G, p.Lys4789= (NM_001374722.1); c.13734A>G, p.Lys4578= (NM_001374729.1); c.7476A>G, p.Lys2492= (NM_001374730.1, NM_001386100.1, NM_183380.4); c.14394A>G, p.Lys4798= (NM_001374734.1); c.6498A>G, p.Lys2166= (NM_015548.5).
Identifiers: ClinVar variation 1633949 (VCV001633949.33), dbSNP rs1203098297, ClinGen allele CA450488035.